The following is an entry in ClinVar:

ClinVar aggregate classification (germline): Uncertain significance (1 of 4 stars; one submission).

Conditions:
Cognitive impairment - coarse facies - heart defects - obesity - pulmonary involvement - short stature - skeletal dysplasia syndrome. Also called: Chops syndrome; COGNITIVE IMPAIRMENT, COARSE FACIES, HEART DEFECTS, OBESITY, PULMONARY INVOLVEMENT, SHORT STATURE, AND SKELETAL DYSPLASIA; AFF4-Related CHOPS Syndrome. Identifiers: Orphanet 444077, MedGen C4085597, MONDO:0014609, OMIM 616368.

Submission:

Labcorp Genetics (formerly Invitae), Labcorp
Classification: Uncertain significance for Cognitive impairment - coarse facies - heart defects - obesity - pulmonary involvement - short stature - skeletal dysplasia syndrome. Last evaluated: 2023-05-29. Review status: criteria provided, single submitter. Criteria: Invitae Variant Classification Sherloc (09022015). Collection method: clinical testing. Allele origin: germline.
Comment: This variant is not present in population databases (gnomAD no frequency). This sequence change replaces asparagine, which is neutral and polar, with histidine, which is basic and polar, at codon 7 of the AFF4 protein (p.Asn7His). This variant has not been reported in the literature in individuals affected with AFF4-related conditions. In summary, the available evidence is currently insufficient to determine the role of this variant in disease. Therefore, it has been classified as a Variant of Uncertain Significance. Advanced modeling of protein sequence and biophysical properties (such as structural, functional, and spatial information, amino acid conservation, physicochemical variation, residue mobility, and thermodynamic stability) performed at Invitae indicates that this missense variant is expected to disrupt AFF4 protein function.

NM_014423.4(AFF4):c.19A>C (p.Asn7His)

Gene: AFF4 (ALF transcription elongation factor 4; minus strand). Cytogenetic location: 5q31.1.
Variant type: single nucleotide variant.
Coding change: c.19A>C on transcript NM_014423.4 (MANE Select); coding-DNA position 19, A replaced by C.
Protein change: p.Asn7His; replaces asparagine 7 with histidine.
Molecular consequence: missense variant.
Genome position (GRCh38, 1-based): chr5:132,937,171, T>G on the plus strand (A>C on the coding strand, the complement: AFF4 is on the minus strand). VCF-style: chr5-132937171-T-G. GRCh37 (hg19) VCF-style: chr5-132272863-T-G.
Other names: short protein forms N7H.
Identifiers: ClinVar variation 3019707 (VCV003019707.3), dbSNP rs2532583952, ClinGen allele CA360966034.